The following is an entry in ClinVar:

ClinVar aggregate classification (germline): Likely pathogenic (1 of 4 stars; one submission).

Conditions:
BBS5-related disorder. Also called: BBS5-related condition.

Submission:

PreventionGenetics, part of Exact Sciences
Classification: Likely pathogenic for BBS5-related condition. Last evaluated: 2024-11-26. Review status: criteria provided, single submitter. Criteria: ACMG Guidelines, 2015. Collection method: clinical testing. Allele origin: germline.
Comment: The BBS5 c.838dupA variant is predicted to result in a frameshift and premature protein termination (p.Thr280Asnfs*8). To our knowledge, this variant has not been reported in the literature or in a large population database (gnomAD), indicating this variant is rare. Frameshift variants in BBS5 are expected to be pathogenic. This variant is interpreted as likely pathogenic.

NM_152384.3(BBS5):c.838dup (p.Thr280fs)

Gene: BBS5 (Bardet-Biedl syndrome 5; plus strand). Cytogenetic location: 2q31.1.
Variant type: Duplication.
Coding change: c.838dup on transcript NM_152384.3 (MANE Select); coding-DNA position 838, one base duplicated (A; older notation c.838dupA).
Protein change: p.Thr280fs; shifts the reading frame from threonine 280.
Molecular consequence: frameshift variant.
Genome position (GRCh38, 1-based): chr2:169,503,116, A duplicated. VCF-style (leftmost placement, unchanged base first): chr2-169503115-G-GA. GRCh37 (hg19) VCF-style: chr2-170359625-G-GA.
Other names: short protein forms T280fs.
Identifiers: ClinVar variation 5001427 (VCV005001427.1).
Genomic context (GRCh38, chr2:169,503,115, plus strand): 5'-ATATTGTCTCTGATGCATTTTAACATCTGCTGATTTTCAGCCCCAGCCGCTCGAAGCTCT[G>GA]ACAGTCGAACAAATTCAAGATGATGTAGAAATAGACTCTGATGGTCACACGGATGCTTTT-3'